The following is an entry in ClinVar:

ClinVar aggregate classification (germline): Uncertain significance (1 of 4 stars; one submission).

Conditions:
Long QT syndrome (LQTS). Identifiers: MedGen C0023976, MeSH D008133, MONDO:0002442. Disease mechanism: loss of function. Inheritance: Various modes of inheritance.

Allele frequency attached by ClinVar (database versions not stated): gnomAD 0.00001; gnomAD exomes 0.00001; TOPMed 0.00001; ExAC 0.00002.
gnomAD v4.1: 16 of 1,613,970 alleles (0.00099%); highest among the groups gnomAD compares: South Asian, 0.0022%; no homozygotes.

Submission:

Labcorp Genetics (formerly Invitae), Labcorp
Classification: Uncertain significance for Long QT syndrome. Last evaluated: 2024-10-14. Review status: criteria provided, single submitter. Criteria: Invitae Variant Classification Sherloc (09022015). Collection method: clinical testing. Allele origin: germline.
Comment: This sequence change replaces phenylalanine, which is neutral and non-polar, with serine, which is neutral and polar, at codon 2531 of the AKAP9 protein (p.Phe2531Ser). The frequency data for this variant in the population databases is considered unreliable, as metrics indicate poor data quality at this position in the gnomAD database. This variant has not been reported in the literature in individuals affected with AKAP9-related conditions. ClinVar contains an entry for this variant (Variation ID: 1372764). An algorithm developed to predict the effect of missense changes on protein structure and function outputs the following: PolyPhen-2: "Benign". The serine amino acid residue is found in multiple mammalian species, which suggests that this missense change does not adversely affect protein function. In summary, the available evidence is currently insufficient to determine the role of this variant in disease. Therefore, it has been classified as a Variant of Uncertain Significance.

NM_005751.5(AKAP9):c.7592T>C (p.Phe2531Ser)

Gene: AKAP9 (A-kinase anchoring protein 9; plus strand). Cytogenetic location: 7q21.2.
Variant type: single nucleotide variant.
Coding change: c.7592T>C on transcript NM_005751.5 (MANE Select); coding-DNA position 7592, T replaced by C.
Protein change: p.Phe2531Ser; replaces phenylalanine 2531 with serine.
Molecular consequence: missense variant.
Genome position (GRCh38, 1-based): chr7:92,079,725, T>C. VCF-style: chr7-92079725-T-C. GRCh37 (hg19) VCF-style: chr7-91709039-T-C.
Other names: c.2237T>C, p.Phe746Ser (NM_001379277.1); c.7568T>C, p.Phe2523Ser (NM_147185.3); short protein forms F746S, F2531S, F2523S.
Identifiers: ClinVar variation 1372764 (VCV001372764.6), dbSNP rs768443350, ClinGen allele CA4337314.